The following is an entry in ClinVar:

ClinVar aggregate classification (germline): Benign/Likely benign. Review status: criteria provided, multiple submitters, no conflicts (2 of 4 stars). 8 submissions from 8 submitters: Benign (6); Likely benign (2). Last evaluated 2026-03-31.

Conditions:
Cardiovascular phenotype. Identifiers: MedGen CN230736.
Brittle cornea syndrome 1 (BCS1). Also called: CORNEAL FRAGILITY, KERATOGLOBUS, BLUE SCLERAE, JOINT HYPEREXTENSIBILITY; EDS6B; FRAGILITAS OCULI WITH JOINT HYPEREXTENSIBILITY; Corneal fragility keratoglobus, blue sclerae AND joint hypermobility; DYSGENESIS MESODERMALIS CORNEAE ET SCLERAE. Identifiers: Orphanet 90354, MedGen C0268344, MONDO:0024543, OMIM 229200.

Allele frequency attached by ClinVar (database versions not stated): ExAC 0.00923; gnomAD 0.01964 and 0.02140; 1000 Genomes Project 0.01977; 1000 Genomes Project 30x 0.02092; TOPMed 0.02275.
gnomAD v4.1: 5,798 of 1,550,268 alleles (0.37%); highest among the groups gnomAD compares: African/African-American, 7%; 190 homozygotes.

Submissions (8):

Women's Health and Genetics/Laboratory Corporation of America, LabCorp
Classification: Likely benign. Last evaluated: 2026-03-31. Review status: criteria provided, single submitter. Criteria: LabCorp Variant Classification Summary - May 2015. Collection method: clinical testing. Allele origin: germline.

Labcorp Genetics (formerly Invitae), Labcorp
Classification: Benign. Last evaluated: 2026-02-02. Review status: criteria provided, single submitter. Criteria: Invitae Variant Classification Sherloc (09022015). Collection method: clinical testing. Allele origin: germline.

Mayo Clinic Laboratories, Mayo Clinic
Classification: Benign. Last evaluated: 2023-04-16. Review status: criteria provided, single submitter. Criteria: ACMG Guidelines, 2015. Collection method: clinical testing. Allele origin: germline. Observed: 16 variant alleles.

Genome-Nilou Lab
Classification: Benign for Brittle cornea syndrome 1. Last evaluated: 2021-12-05. Review status: criteria provided, single submitter. Criteria: ACMG Guidelines, 2015. Collection method: clinical testing. Allele origin: germline. Affected: no.

Ambry Genetics
Classification: Benign for Cardiovascular phenotype. Last evaluated: 2019-03-08. Review status: criteria provided, single submitter. Criteria: Ambry Variant Classification Scheme 2023. Collection method: clinical testing. Allele origin: germline.

GeneDx
Classification: Benign. Last evaluated: 2016-10-30. Review status: criteria provided, single submitter. Criteria: GeneDx Variant Classification (06012015). Collection method: clinical testing. Allele origin: germline. Affected: yes.
Comment: This variant is considered likely benign or benign based on one or more of the following criteria: it is a conservative change, it occurs at a poorly conserved position in the protein, it is predicted to be benign by multiple in silico algorithms, and/or has population frequency not consistent with disease.

Center for Pediatric Genomic Medicine, Children's Mercy Hospital and Clinics
Classification: Benign. Last evaluated: 2015-06-04. Review status: criteria provided, single submitter. Criteria: ACMG Guidelines, 2015. Collection method: clinical testing. Allele origin: germline.

Breakthrough Genomics
Classification: Likely benign. Review status: criteria provided, single submitter. Criteria: ACMG Guidelines, 2015. Collection method: not provided. Allele origin: germline. Inheritance: Autosomal recessive inheritance. Affected: yes.

NM_001367624.2(ZNF469):c.3650C>T (p.Pro1217Leu)

Gene: ZNF469 (zinc finger protein 469; plus strand). Cytogenetic location: 16q24.2.
Variant type: single nucleotide variant.
Coding change: c.3650C>T on transcript NM_001367624.2 (MANE Select); coding-DNA position 3650, C replaced by T.
Protein change: p.Pro1217Leu; replaces proline 1217 with leucine.
Molecular consequence: missense variant.
Genome position (GRCh38, 1-based): chr16:88,431,120, C>T. VCF-style: chr16-88431120-C-T. GRCh37 (hg19) VCF-style: chr16-88497528-C-T.
Other names: NM_001127464.1:c.3566C>T; p.Pro1217Leu; short protein forms P1217L.
Identifiers: ClinVar variation 235813 (VCV000235813.15), dbSNP rs115183769, ClinGen allele CA8224876.